The following is an entry in ClinVar:

NM_001378454.1(ALMS1):c.4852A>G (p.Ser1618Gly)

Gene: ALMS1 (ALMS1 centrosome and basal body associated protein; plus strand). Cytogenetic location: 2p13.1.
Variant type: single nucleotide variant.
Coding change: c.4852A>G on transcript NM_001378454.1 (MANE Select); coding-DNA position 4852, A replaced by G.
Protein change: p.Ser1618Gly; replaces serine 1618 with glycine.
Molecular consequence: missense variant.
Genome position (GRCh38, 1-based): chr2:73,451,379, A>G. VCF-style: chr2-73451379-A-G. GRCh37 (hg19) VCF-style: chr2-73678506-A-G.
Other names: c.4855A>G, p.Ser1619Gly (NM_015120.4); short protein forms S1619G, S1618G.
Identifiers: ClinVar variation 1519510 (VCV001519510.3), dbSNP rs2103784176, ClinGen allele CA347279394.

ClinVar aggregate classification (germline): Uncertain significance (1 of 4 stars; one submission).

Conditions:
Alstrom syndrome (ALMS). Identifiers: Orphanet 64, MedGen C0268425, MONDO:0008763, OMIM 203800.

Submission:

Labcorp Genetics (formerly Invitae), Labcorp
Classification: Uncertain significance for Alstrom syndrome. Last evaluated: 2021-03-25. Review status: criteria provided, single submitter. Criteria: Invitae Variant Classification Sherloc (09022015). Collection method: clinical testing. Allele origin: germline.
Comment: This sequence change replaces serine with glycine at codon 1619 of the ALMS1 protein (p.Ser1619Gly). The serine residue is weakly conserved and there is a small physicochemical difference between serine and glycine. This variant is not present in population databases (ExAC no frequency). This variant has not been reported in the literature in individuals with ALMS1-related conditions. Experimental studies and prediction algorithms are not available or were not evaluated, and the functional significance of this variant is currently unknown. In summary, the available evidence is currently insufficient to determine the role of this variant in disease. Therefore, it has been classified as a Variant of Uncertain Significance.